The following is an entry in ClinVar:

ClinVar aggregate classification (germline): Uncertain significance (1 of 4 stars; one submission).

Conditions:
Wilson disease (WND). Also called: Wilson's disease. Identifiers: Orphanet 905, MedGen C0019202, MONDO:0010200, OMIM 277900. Disease mechanism: loss of function.

Allele frequency attached by ClinVar (database versions not stated): gnomAD exomes below 0.00001; ExAC 0.00001.
gnomAD v4.1: 3 of 1,614,230 alleles (0.00019%); highest among the groups gnomAD compares: African/African-American, 0.0013%; no homozygotes.

Submission:

All of Us Research Program, National Institutes of Health
Classification: Uncertain significance for Wilson disease. Last evaluated: 2024-01-03. Review status: criteria provided, single submitter. Criteria: ACMG Guidelines, 2015. Collection method: clinical testing. Allele origin: germline. Inheritance: Autosomal recessive inheritance. Observed: 1 variant allele, 1 heterozygote.
Comment: This missense variant replaces valine with isoleucine at codon 106 of the ATP7B protein. Computational prediction suggests that this variant may not impact protein structure and function (internally defined REVEL score threshold <= 0.5, PMID: 27666373). To our knowledge, functional studies have not been reported for this variant. This variant has not been reported in individuals affected with ATP7B-related disorders in the literature. This variant has been identified in 1/249440 chromosomes in the general population by the Genome Aggregation Database (gnomAD). The available evidence is insufficient to determine the role of this variant in disease conclusively. Therefore, this variant is classified as a Variant of Uncertain Significance.

This study involves interpretation of variants in research participants for the purpose of population health screening. Participant phenotype was not available at the time of variant classification. Additional details can be found in publication PMID: 35346344, PMCID: PMC8962531

NM_000053.4(ATP7B):c.316G>A (p.Val106Ile)

Gene: ATP7B (ATPase copper transporting beta; minus strand). Cytogenetic location: 13q14.3.
Variant type: single nucleotide variant.
Coding change: c.316G>A on transcript NM_000053.4 (MANE Select); coding-DNA position 316, G replaced by A.
Protein change: p.Val106Ile; replaces valine 106 with isoleucine.
Molecular consequence: missense variant.
Genome position (GRCh38, 1-based): chr13:51,974,904, C>T on the plus strand (G>A on the coding strand, the complement: ATP7B is on the minus strand). VCF-style: chr13-51974904-C-T. GRCh37 (hg19) VCF-style: chr13-52549040-C-T.
Other names: c.316G>A, p.Val106Ile (NM_001406542.1, NM_001406545.1, NM_001406546.1 and 30 more transcripts); c.220G>A, p.Val74Ile (NM_001406543.1, NM_001406544.1, NM_001406536.1 and 4 more transcripts); short protein forms V106I, V74I.
Identifiers: ClinVar variation 3075295 (VCV003075295.1), dbSNP rs759630649, ClinGen allele CA6989586.